The following is an entry in ClinVar:

NM_001371623.1(TCOF1):c.3743C>G (p.Ala1248Gly)

Gene: TCOF1 (treacle ribosome biogenesis factor 1; plus strand). Cytogenetic location: 5q32.
Variant type: single nucleotide variant.
Coding change: c.3743C>G on transcript NM_001371623.1 (MANE Select); coding-DNA position 3743, C replaced by G.
Protein change: p.Ala1248Gly; replaces alanine 1248 with glycine.
Molecular consequence: missense variant.
Genome position (GRCh38, 1-based): chr5:150,393,511, C>G. VCF-style: chr5-150393511-C-G. GRCh37 (hg19) VCF-style: chr5-149773074-C-G.
Other names: c.3509C>G, p.Ala1170Gly (NM_000356.4); c.3740C>G, p.Ala1247Gly (NM_001135243.2); c.3629C>G, p.Ala1210Gly (NM_001135244.2); c.3512C>G, p.Ala1171Gly (NM_001135245.2); c.3626C>G, p.Ala1209Gly (NM_001195141.2); short protein forms A1171G, A1248G, A1170G, A1209G, A1210G, A1247G.
Identifiers: ClinVar variation 3704650 (VCV003704650.2).

ClinVar aggregate classification (germline): Uncertain significance (1 of 4 stars; one submission).

Conditions:
Treacher Collins syndrome 1 (TCS1). Also called: TCOF1-Related Treacher Collins Syndrome. Identifiers: Orphanet 861, MedGen CN315775, MONDO:0007944, OMIM 154500.

gnomAD v4.1: 3 of 1,614,204 alleles (0.00019%); highest among the groups gnomAD compares: African/African-American, 0.0013%; no homozygotes.

Submission:

Labcorp Genetics (formerly Invitae), Labcorp
Classification: Uncertain significance for Treacher Collins syndrome 1. Last evaluated: 2024-06-26. Review status: criteria provided, single submitter. Criteria: Invitae Variant Classification Sherloc (09022015). Collection method: clinical testing. Allele origin: germline.
Comment: This sequence change replaces alanine, which is neutral and non-polar, with glycine, which is neutral and non-polar, at codon 1247 of the TCOF1 protein (p.Ala1247Gly). This variant is present in population databases (rs760535690, gnomAD 0.002%). This variant has not been reported in the literature in individuals affected with TCOF1-related conditions. An algorithm developed to predict the effect of missense changes on protein structure and function (PolyPhen-2) suggests that this variant is likely to be disruptive. In summary, the available evidence is currently insufficient to determine the role of this variant in disease. Therefore, it has been classified as a Variant of Uncertain Significance.